The following is an entry in ClinVar:

NM_014915.3(ANKRD26):c.4980A>G (p.Ile1660Met)

Gene: ANKRD26 (ankyrin repeat domain 26; minus strand). Cytogenetic location: 10p12.1.
Variant type: single nucleotide variant.
Coding change: c.4980A>G on transcript NM_014915.3 (MANE Select); coding-DNA position 4980, A replaced by G.
Protein change: p.Ile1660Met; replaces isoleucine 1660 with methionine.
Molecular consequence: missense variant.
Genome position (GRCh38, 1-based): chr10:27,006,936, T>C on the plus strand (A>G on the coding strand, the complement: ANKRD26 is on the minus strand). VCF-style: chr10-27006936-T-C. GRCh37 (hg19) VCF-style: chr10-27295865-T-C.
Other names: c.4977A>G, p.Ile1659Met (NM_001256053.2); short protein forms I1659M, I1660M.
Identifiers: ClinVar variation 2519199 (VCV002519199.10), dbSNP rs367927114, ClinGen allele CA5447674.
Genomic context (GRCh38, chr10:27,006,936, plus strand): 5'-TTAATTAATCTAAATTTAATTCATGAAGTTTGGCAACATACCTTCTTTGAGTTCTCTAGT[T>C]ATATTTTTTTCCAACTCCTGCTGCATCTGAAAAAAGTCAAATGTTATTTATAATGTTTAA-3'
Protein context (NP_055730.2, residues 1650-1670): SKMQQELEKN[Ile1660Met]TRELKEAAAE

ClinVar aggregate classification (germline): Uncertain significance. Review status: criteria provided, multiple submitters, no conflicts (2 of 4 stars). 4 submissions from 4 submitters: Uncertain significance (3). 1 of the submissions does not count toward it. Last evaluated 2025-06-12.

Conditions:
Inborn genetic diseases. Identifiers: MedGen C0950123, MeSH D030342.
ANKRD26-related disorder. Also called: ANKRD26-related condition.

Allele frequency attached by ClinVar (database versions not stated): gnomAD exomes 0.00001; ExAC 0.00002; ESP Exome Variant Server 0.00017; TOPMed 0.00018; gnomAD 0.00021; 1000 Genomes Project 0.00040; 1000 Genomes Project 30x 0.00047.
gnomAD v4.1: 52 of 1,610,158 alleles (0.0032%); highest among the groups gnomAD compares: African/African-American, 0.067%; no homozygotes.

Submissions (4):

Labcorp Genetics (formerly Invitae), Labcorp
Classification: Uncertain significance. Last evaluated: 2025-06-12. Review status: criteria provided, single submitter. Criteria: Invitae Variant Classification Sherloc (09022015). Collection method: clinical testing. Allele origin: germline.
Comment: This sequence change replaces isoleucine, which is neutral and non-polar, with methionine, which is neutral and non-polar, at codon 1660 of the ANKRD26 protein (p.Ile1660Met). This variant is present in population databases (rs367927114, gnomAD 0.07%), and has an allele count higher than expected for a pathogenic variant. This variant has not been reported in the literature in individuals affected with ANKRD26-related conditions. ClinVar contains an entry for this variant (Variation ID: 2519199). An algorithm developed to predict the effect of missense changes on protein structure and function (PolyPhen-2) suggests that this variant is likely to be disruptive. In summary, the available evidence is currently insufficient to determine the role of this variant in disease. Therefore, it has been classified as a Variant of Uncertain Significance.

Ambry Genetics
Classification: Uncertain significance for Inborn genetic diseases. Last evaluated: 2024-11-21. Review status: criteria provided, single submitter. Criteria: Ambry Variant Classification Scheme 2023. Collection method: clinical testing. Allele origin: germline.
Comment: The p.I1660M variant (also known as c.4980A>G), located in coding exon 33 of the ANKRD26 gene, results from an A to G substitution at nucleotide position 4980. The isoleucine at codon 1660 is replaced by methionine, an amino acid with highly similar properties. This amino acid position is conserved. In addition, this alteration is predicted to be tolerated by in silico analysis. Based on the available evidence, the clinical significance of this variant remains unclear.

GeneDx
Classification: Uncertain significance. Last evaluated: 2023-12-06. Review status: criteria provided, single submitter. Criteria: GeneDx Variant Classification Process June 2021. Collection method: clinical testing. Allele origin: germline.
Comment: In silico analysis supports that this missense variant does not alter protein structure/function; Has not been previously published as pathogenic or benign to our knowledge

PreventionGenetics, part of Exact Sciences
Classification: Uncertain significance for ANKRD26-related condition. Last evaluated: 2023-12-19. Review status: no assertion criteria provided. Collection method: clinical testing. Allele origin: germline. Not counted in ClinVar's aggregate classification.
Comment: The ANKRD26 c.4980A>G variant is predicted to result in the amino acid substitution p.Ile1660Met. To our knowledge, this variant has not been reported in the literature. This variant is reported in 0.070% of alleles in individuals of African descent in gnomAD. At this time, the clinical significance of this variant is uncertain due to the absence of conclusive functional and genetic evidence.